The following is an entry in ClinVar:

NM_201384.3(PLEC):c.3792G>A (p.Lys1264=)

Gene: PLEC (plectin; minus strand). Cytogenetic location: 8q24.3.
Variant type: single nucleotide variant.
Coding change: c.3792G>A on transcript NM_201384.3 (MANE Select); coding-DNA position 3792, G replaced by A.
Protein change: p.Lys1264=; no amino-acid change (lysine 1264 retained).
Molecular consequence: synonymous variant.
Genome position (GRCh38, 1-based): chr8:143,927,300, C>T on the plus strand (G>A on the coding strand, the complement: PLEC is on the minus strand). VCF-style: chr8-143927300-C-T. GRCh37 (hg19) VCF-style: chr8-145001468-C-T.
Other names: c.3873G>A, p.Lys1291= (NM_000445.5); c.3750G>A, p.Lys1250= (NM_201378.4); c.3726G>A, p.Lys1242= (NM_201379.3); c.4203G>A, p.Lys1401= (NM_201380.4); c.3696G>A, p.Lys1232= (NM_201381.3); c.3792G>A, p.Lys1264= (NM_201382.4); c.3804G>A, p.Lys1268= (NM_201383.3).
Identifiers: ClinVar variation 785004 (VCV000785004.6), dbSNP rs782067834, ClinGen allele CA4926927.

ClinVar aggregate classification (germline): Likely benign. Review status: criteria provided, multiple submitters, no conflicts (2 of 4 stars). 2 submissions from 2 submitters: Likely benign (2). Last evaluated 2026-01-10.

Conditions:
Epidermolysis bullosa simplex 5B, with muscular dystrophy (EBS5B). Also called: Epidermolysis bullosa simplex with muscular dystrophy; EPIDERMOLYSIS BULLOSA SIMPLEX AND LIMB-GIRDLE MUSCULAR DYSTROPHY. Identifiers: Orphanet 257, MedGen C2931072, MONDO:0009181, OMIM 226670.
Epidermolysis bullosa simplex with nail dystrophy (EBS5D). Identifiers: MedGen C4225309, MONDO:0014661, OMIM 616487.
Autosomal recessive limb-girdle muscular dystrophy type 2Q (LGMDR17). Also called: MUSCULAR DYSTROPHY, LIMB-GIRDLE, AUTOSOMAL RECESSIVE 17. Identifiers: Orphanet 254361, MedGen C3150989, MONDO:0013390, OMIM 613723.
Epidermolysis bullosa simplex 5C, with pyloric atresia (EBS5C). Also called: PLEC-Related Epidermolysis Bullosa with Pyloric Atresia; Epidermolysis bullosa simplex with pyloric atresia; PLEC1-Related Epidermolysis Bullosa with Pyloric Atresia. Identifiers: Orphanet 158684, MedGen C2677349, MONDO:0012807, OMIM 612138.
Epidermolysis bullosa simplex, Ogna type (EBS5A). Also called: Pidermolysis bullosa simplex 5A, Ogna type; EPIDERMOLYSIS BULLOSA SIMPLEX 5A, OGNA TYPE. Identifiers: Orphanet 79401, MedGen C0432317, MONDO:0007555, OMIM 131950.
PLEC-related disorder. Also called: PLEC-related disorders; PLEC-related condition.

Allele frequency attached by ClinVar (database versions not stated): ExAC 0.00001; gnomAD exomes 0.00001 and 0.00002; TOPMed 0.00002; gnomAD 0.00003.
gnomAD v4.1: 22 of 1,613,312 alleles (0.0014%); highest among the groups gnomAD compares: Non-Finnish European, 0.001%; no homozygotes.

Submissions (2):

PreventionGenetics, part of Exact Sciences
Classification: Likely benign for PLEC-related condition. Last evaluated: 2026-01-10. Review status: criteria provided, single submitter. Criteria: ACMG Guidelines, 2015. Collection method: clinical testing. Allele origin: germline.
Comment: This variant is classified as likely benign based on ACMG/AMP sequence variant interpretation guidelines (Richards et al. 2015 PMID: 25741868, with internal and published modifications).

Labcorp Genetics (formerly Invitae), Labcorp
Classification: Likely benign for Autosomal recessive limb-girdle muscular dystrophy type 2Q; Epidermolysis bullosa simplex, Ogna type; Epidermolysis bullosa simplex with nail dystrophy; Epidermolysis bullosa simplex 5C, with pyloric atresia; Epidermolysis bullosa simplex 5B, with muscular dystrophy. Last evaluated: 2025-10-29. Review status: criteria provided, single submitter. Criteria: Invitae Variant Classification Sherloc (09022015). Collection method: clinical testing. Allele origin: germline.